The following is an entry in ClinVar:

ClinVar aggregate classification (germline): Uncertain significance. Review status: criteria provided, multiple submitters, no conflicts (2 of 4 stars). 2 submissions from 2 submitters: Uncertain significance (2). Last evaluated 2025-02-08.

Conditions:
Fanconi anemia complementation group E (FANCE). Also called: FANCE-Related Fanconi Anemia. Identifiers: Orphanet 84, MedGen C3160739, MONDO:0010953, OMIM 600901.

Allele frequency attached by ClinVar (database versions not stated): ExAC 0.00002; gnomAD exomes 0.00003 and 0.00004; TOPMed 0.00005; gnomAD 0.00009; ESP Exome Variant Server 0.00015.

Submissions (2):

Labcorp Genetics (formerly Invitae), Labcorp
Classification: Uncertain significance for Fanconi anemia complementation group E. Last evaluated: 2025-02-08. Review status: criteria provided, single submitter. Criteria: Invitae Variant Classification Sherloc (09022015). Collection method: clinical testing. Allele origin: germline.
Comment: This sequence change replaces alanine, which is neutral and non-polar, with threonine, which is neutral and polar, at codon 530 of the FANCE protein (p.Ala530Thr). This variant is present in population databases (rs377415237, gnomAD 0.008%). This variant has not been reported in the literature in individuals affected with FANCE-related conditions. ClinVar contains an entry for this variant (Variation ID: 408159). An algorithm developed to predict the effect of missense changes on protein structure and function outputs the following: PolyPhen-2: "Benign". The threonine amino acid residue is found in multiple mammalian species, which suggests that this missense change does not adversely affect protein function. In summary, the available evidence is currently insufficient to determine the role of this variant in disease. Therefore, it has been classified as a Variant of Uncertain Significance.

Fulgent Genetics
Classification: Uncertain significance for Fanconi anemia complementation group E. Last evaluated: 2022-05-17. Review status: criteria provided, single submitter. Criteria: ACMG Guidelines, 2015. Collection method: clinical testing. Allele origin: unknown.

NM_021922.3(FANCE):c.1588G>A (p.Ala530Thr)

Gene: FANCE (FA complementation group E; plus strand). Cytogenetic location: 6p21.31.
Variant type: single nucleotide variant.
Coding change: c.1588G>A on transcript NM_021922.3 (MANE Select); coding-DNA position 1588, G replaced by A.
Protein change: p.Ala530Thr; replaces alanine 530 with threonine.
Molecular consequence: missense variant.
Genome position (GRCh38, 1-based): chr6:35,466,322, G>A. VCF-style: chr6-35466322-G-A. GRCh37 (hg19) VCF-style: chr6-35434099-G-A.
Other names: short protein forms A530T.
Identifiers: ClinVar variation 408159 (VCV000408159.11), dbSNP rs377415237, ClinGen allele CA3771760.
Genomic context (GRCh38, chr6:35,466,322, plus strand): 5'-CTGGGCCTGGCTATGGCCCTAGAACCTAACACCACCTTCCTGAGGAAGTCCCTGAAGGCC[G>A]CCTTGAAACATTTGGGCCCCTGACCATCCACCAAGGGACCACCCTCTTGGTGCTCCATCA-3'
Protein context (NP_068741.1, residues 520-536): TTFLRKSLKA[Ala530Thr]LKHLGP